The following is an entry in ClinVar:

NM_000133.4(F9):c.*828GT[6]

Gene: F9 (coagulation factor IX; plus strand). Cytogenetic location: Xq27.1.
Variant type: Microsatellite.
Coding change: c.*828GT[6] on transcript NM_000133.4 (MANE Select); six copies in a row of the 2-base unit GT starting at c.*828; the reference has five copies in a row; one copy, 2 bases duplicated.
Molecular consequence: 3 prime UTR variant.
Genome position (GRCh38, 1-based): chrX:139,562,907-139,562,908, GT duplicated; duplicating any 2 consecutive bases within chrX:139,562,899-139,562,908 gives the same sequence; the position shown is the placement nearest the transcript's 3' end. VCF-style (leftmost placement, unchanged base first): chrX-139562898-A-AGT. GRCh37 (hg19) VCF-style: chrX-138645057-A-AGT.
Other names: c.*828GT[6] (NM_001313913.2); c.*836_*837dupGT (NM_000133.3).
Identifiers: ClinVar variation 1166864 (VCV001166864.11), dbSNP rs35599944, ClinGen allele CA336143978.

ClinVar aggregate classification (germline): Benign. Review status: criteria provided, single submitter (1 of 4 stars). 2 submissions from 2 submitters: Benign (1). 1 of the submissions does not count toward it. Last evaluated 2025-12-08.

Conditions:
Thrombophilia, X-linked, due to factor 9 defect. Identifiers: MedGen C2749016, MONDO:0010432, OMIM 300807.
Hereditary factor IX deficiency disease (HEMB). Also called: F9 DEFICIENCY; FACTOR IX DEFICIENCY; PLASMA THROMBOPLASTIN COMPONENT DEFICIENCY; Hemophilia B; Christmas Disease. Identifiers: Orphanet 98879, MedGen C0008533, MeSH D002836, MONDO:0010604, OMIM 306900.
F9-related disorder. Also called: F9-related condition.

Submissions (2):

Labcorp Genetics (formerly Invitae), Labcorp
Classification: Benign for Thrombophilia, X-linked, due to factor 9 defect; Hereditary factor IX deficiency disease. Last evaluated: 2025-12-08. Review status: criteria provided, single submitter. Criteria: Invitae Variant Classification Sherloc (09022015). Collection method: clinical testing. Allele origin: germline.

PreventionGenetics, part of Exact Sciences
Classification: Likely benign for F9-related condition. Last evaluated: 2021-02-22. Review status: no assertion criteria provided. Collection method: clinical testing. Allele origin: germline. Not counted in ClinVar's aggregate classification.
Comment: This variant is classified as likely benign based on ACMG/AMP sequence variant interpretation guidelines (Richards et al. 2015 PMID: 25741868, with internal and published modifications).